The following is an entry in ClinVar:

ClinVar aggregate classification (germline): Uncertain significance. Review status: criteria provided, multiple submitters, no conflicts (2 of 4 stars). 2 submissions from 2 submitters: Uncertain significance (2). Last evaluated 2024-07-26.

Conditions:
Tuberous sclerosis 2 (TSC2). Identifiers: Orphanet 805, MedGen C1860707, MONDO:0013199, OMIM 613254.
Hereditary cancer-predisposing syndrome. Also called: Hereditary neoplastic syndrome; Tumor predisposition; Hereditary Cancer Syndrome; Neoplastic Syndromes, Hereditary. Identifiers: Orphanet 140162, MedGen C0027672, MeSH D009386, MONDO:0015356.

Submissions (2):

Ambry Genetics
Classification: Uncertain significance for Hereditary cancer-predisposing syndrome. Last evaluated: 2024-07-26. Review status: criteria provided, single submitter. Criteria: Ambry Variant Classification Scheme 2023. Collection method: clinical testing. Allele origin: germline.
Comment: The p.A678G variant (also known as c.2033C>G), located in coding exon 18 of the TSC2 gene, results from a C to G substitution at nucleotide position 2033. The alanine at codon 678 is replaced by glycine, an amino acid with similar properties. This amino acid position is conserved. In addition, the in silico prediction for this alteration is inconclusive. Based on the available evidence, the clinical significance of this variant remains unclear.

Labcorp Genetics (formerly Invitae), Labcorp
Classification: Uncertain significance for Tuberous sclerosis 2. Last evaluated: 2021-08-19. Review status: criteria provided, single submitter. Criteria: Invitae Variant Classification Sherloc (09022015). Collection method: clinical testing. Allele origin: germline.
Comment: In summary, the available evidence is currently insufficient to determine the role of this variant in disease. Therefore, it has been classified as a Variant of Uncertain Significance. Algorithms developed to predict the effect of missense changes on protein structure and function (SIFT, PolyPhen-2, Align-GVGD) all suggest that this variant is likely to be tolerated, but these predictions have not been confirmed by published functional studies and their clinical significance is uncertain. This variant has not been reported in the literature in individuals with TSC2-related disease. This variant is not present in population databases (ExAC no frequency). This sequence change replaces alanine with glycine at codon 678 of the TSC2 protein (p.Ala678Gly). The alanine residue is weakly conserved and there is a small physicochemical difference between alanine and glycine.

NM_000548.5(TSC2):c.2033C>G (p.Ala678Gly)

Gene: TSC2 (TSC complex subunit 2; plus strand). Cytogenetic location: 16p13.3.
Variant type: single nucleotide variant.
Coding change: c.2033C>G on transcript NM_000548.5 (MANE Select); coding-DNA position 2033, C replaced by G.
Protein change: p.Ala678Gly; replaces alanine 678 with glycine.
Molecular consequence: missense variant.
Genome position (GRCh38, 1-based): chr16:2,071,870, C>G. VCF-style: chr16-2071870-C-G. GRCh37 (hg19) VCF-style: chr16-2121871-C-G.
Other names: c.2033C>G, p.Ala678Gly (NM_001077183.3, NM_001114382.3, NM_001363528.2 and 3 more transcripts); c.1922C>G, p.Ala641Gly (NM_001318827.2); c.1886C>G, p.Ala629Gly (NM_001318829.2); c.1433C>G, p.Ala478Gly (NM_001318831.2); c.2066C>G, p.Ala689Gly (NM_001318832.2); short protein forms A678G, A629G, A641G, A689G, A478G.
Identifiers: ClinVar variation 575588 (VCV000575588.9), dbSNP rs1567464805, ClinGen allele CA394274547.
Genomic context (GRCh38, chr16:2,071,870, plus strand): 5'-AGACCAGCGGCCCCCTTTCTCCTCCCACAGGGCCTCCTGGCCCGGCGCCTGCAGGCCCCG[C>G]CGTGCGGCTGGGGTCCGTGCCCTACTCCCTGCTCTTCCGCGTCCTGCTGCAGTGCTTGAA-3'
Protein context (NP_000539.2, residues 668-688): GPPGPAPAGP[Ala678Gly]VRLGSVPYSL